The following is an entry in ClinVar:

ClinVar aggregate classification (germline): Uncertain significance (1 of 4 stars; one submission).

Conditions:
Baller-Gerold syndrome (BGS). Also called: CRANIOSYNOSTOSIS WITH RADIAL DEFECTS. Identifiers: Orphanet 1225, MedGen C0265308, MONDO:0009039, OMIM 218600.

Submission:

Labcorp Genetics (formerly Invitae), Labcorp
Classification: Uncertain significance for Baller-Gerold syndrome. Last evaluated: 2023-03-31. Review status: criteria provided, single submitter. Criteria: Invitae Variant Classification Sherloc (09022015). Collection method: clinical testing. Allele origin: germline.
Comment: This sequence change replaces alanine, which is neutral and non-polar, with valine, which is neutral and non-polar, at codon 177 of the RECQL4 protein (p.Ala177Val). This variant is not present in population databases (gnomAD no frequency). This variant has not been reported in the literature in individuals affected with RECQL4-related conditions. Advanced modeling of protein sequence and biophysical properties (such as structural, functional, and spatial information, amino acid conservation, physicochemical variation, residue mobility, and thermodynamic stability) performed at Invitae indicates that this missense variant is not expected to disrupt RECQL4 protein function. Algorithms developed to predict the effect of sequence changes on RNA splicing suggest that this variant may create or strengthen a splice site. In summary, the available evidence is currently insufficient to determine the role of this variant in disease. Therefore, it has been classified as a Variant of Uncertain Significance.

NM_004260.4(RECQL4):c.530C>T (p.Ala177Val)

Gene: RECQL4 (RecQ like helicase 4; minus strand). Cytogenetic location: 8q24.3.
Variant type: single nucleotide variant.
Coding change: c.530C>T on transcript NM_004260.4 (MANE Select); coding-DNA position 530, C replaced by T.
Protein change: p.Ala177Val; replaces alanine 177 with valine.
Molecular consequence: missense variant. On other transcripts: 5 prime UTR variant (15), non-coding transcript variant (3), intron variant (3).
Genome position (GRCh38, 1-based): chr8:144,516,589, G>A on the plus strand (C>T on the coding strand, the complement: RECQL4 is on the minus strand). VCF-style: chr8-144516589-G-A. GRCh37 (hg19) VCF-style: chr8-145741973-G-A.
Other names: c.530C>T, p.Ala177Val (NM_001413017.1, NM_001413018.1, NM_001413019.1 and 4 more transcripts); c.-542C>T (NM_001413022.1, NM_001413023.1, NM_001413024.1 and 5 more transcripts); c.401C>T, p.Ala134Val (NM_001413025.1); c.-604C>T (NM_001413027.1, NM_001413030.1, NM_001413031.1 and 2 more transcripts); c.-446C>T (NM_001413034.1); c.-811C>T (NM_001413043.1); c.355-176C>T (NM_001413029.1); c.-366-176C>T (NM_001413021.1); and 1 more; short protein forms A134V, A177V.
Identifiers: ClinVar variation 2902748 (VCV002902748.2), dbSNP rs1586825857, ClinGen allele CA372691125.